The following is an entry in ClinVar:

NM_004817.4(TJP2):c.32C>G (p.Pro11Arg)

Gene: TJP2 (tight junction protein 2; plus strand). Cytogenetic location: 9q21.11.
Variant type: single nucleotide variant.
Coding change: c.32C>G on transcript NM_004817.4 (MANE Select); coding-DNA position 32, C replaced by G.
Protein change: p.Pro11Arg; replaces proline 11 with arginine.
Molecular consequence: missense variant. On other transcripts: intron variant (3).
Genome position (GRCh38, 1-based): chr9:69,174,404, C>G. VCF-style: chr9-69174404-C-G. GRCh37 (hg19) VCF-style: chr9-71789320-C-G.
Other names: c.32C>G, p.Pro11Arg (NM_001369872.1, NM_001369873.1, NM_201629.3); c.-10+22633C>G (NM_001170414.2, NM_001369870.1); c.-127-10683C>G (NM_001369871.1); short protein forms P11R.
Identifiers: ClinVar variation 4281875 (VCV004281875.2).

ClinVar aggregate classification (germline): Uncertain significance (1 of 4 stars; one submission).

gnomAD v4.1: 19 of 1,551,778 alleles (0.0012%); highest among the groups gnomAD compares: African/African-American, 0.025%; no homozygotes.

Submission:

GeneDx
Classification: Uncertain significance. Last evaluated: 2025-11-13. Review status: criteria provided, single submitter. Criteria: GeneDx Variant Classification Process June 2021. Collection method: clinical testing. Allele origin: germline.
Comment: In silico analysis suggests that this missense variant does not alter protein structure/function; Has not been previously published as pathogenic or benign to our knowledge